The following is an entry in ClinVar:

ClinVar aggregate classification (germline): Uncertain significance. Review status: criteria provided, multiple submitters, no conflicts (2 of 4 stars). 2 submissions from 2 submitters: Uncertain significance (2). Last evaluated 2025-10-13.

gnomAD v4.1: 19 of 1,611,156 alleles (0.0012%); highest among the groups gnomAD compares: South Asian, 0.0033%; no homozygotes.

Submissions (2):

Labcorp Genetics (formerly Invitae), Labcorp
Classification: Uncertain significance. Last evaluated: 2025-10-13. Review status: criteria provided, single submitter. Criteria: Invitae Variant Classification Sherloc (09022015). Collection method: clinical testing. Allele origin: germline.
Comment: This sequence change replaces tyrosine, which is neutral and polar, with cysteine, which is neutral and slightly polar, at codon 327 of the IRF9 protein (p.Tyr327Cys). This variant is present in population databases (rs145127396, gnomAD 0.07%), and has an allele count higher than expected for a pathogenic variant. This variant has not been reported in the literature in individuals affected with IRF9-related conditions. ClinVar contains an entry for this variant (Variation ID: 1399494). An algorithm developed to predict the effect of missense changes on protein structure and function outputs the following: PolyPhen-2: "Benign". The cysteine amino acid residue is found in multiple mammalian species, which suggests that this missense change does not adversely affect protein function. In summary, the available evidence is currently insufficient to determine the role of this variant in disease. Therefore, it has been classified as a Variant of Uncertain Significance.

Ambry Genetics
Classification: Uncertain significance. Last evaluated: 2025-08-27. Review status: criteria provided, single submitter. Criteria: Ambry Variant Classification Scheme 2023. Collection method: clinical testing. Allele origin: germline.

NM_006084.5(IRF9):c.980A>G (p.Tyr327Cys)

Gene: IRF9 (interferon regulatory factor 9; plus strand). Cytogenetic location: 14q12.
Variant type: single nucleotide variant.
Coding change: c.980A>G on transcript NM_006084.5 (MANE Select); coding-DNA position 980, A replaced by G.
Protein change: p.Tyr327Cys; replaces tyrosine 327 with cysteine.
Molecular consequence: missense variant. On other transcripts: synonymous variant (1).
Genome position (GRCh38, 1-based): chr14:24,164,944, A>G. VCF-style: chr14-24164944-A-G. GRCh37 (hg19) VCF-style: chr14-24634153-A-G.
Other names: c.1007A>G, p.Tyr336Cys (NM_001385400.1, NM_001385401.1); c.717A>G, p.Leu239= (NM_001385402.1); c.980A>G (NM_006084.4); short protein forms Y336C, Y327C.
Identifiers: ClinVar variation 1399494 (VCV001399494.9), dbSNP rs145127396, ClinGen allele CA7126590.
Genomic context (GRCh38, chr14:24,164,944, plus strand): 5'-CTGGGCCAGGCCCGCATCTGCTGCCCAGCAACGAGTGCGTGGAGCTCTTCAGAACCGCCT[A>G]CTTCTGCAGAGGTGAGGCTGTTCTCTCTGGGCACATGAGCTTCCACCCCCTACCTCTTAG-3'
Protein context (NP_006075.3, residues 317-337): NECVELFRTA[Tyr327Cys]FCRDLVRYFQ